The following is an entry in ClinVar:

NM_000051.4(ATM):c.6235G>A (p.Val2079Ile)

Genes: ATM (ATM serine/threonine kinase; plus strand), C11orf65 (chromosome 11 open reading frame 65; minus strand). Cytogenetic location: 11q22.3.
Variant type: single nucleotide variant.
Coding change: c.6235G>A on transcript NM_000051.4 (MANE Select); coding-DNA position 6235, G replaced by A.
Protein change: p.Val2079Ile; replaces valine 2079 with isoleucine.
Molecular consequence: missense variant. On other transcripts: intron variant (2).
Genome position (GRCh38, 1-based): chr11:108,317,409, G>A. VCF-style: chr11-108317409-G-A. GRCh37 (hg19) VCF-style: chr11-108188136-G-A.
Other names: p.V2079I:GTC>ATC; NP_000042.3:p.Val2079Ile; c.6235G>A, p.Val2079Ile (NM_001351834.2); c.641-8338C>T (NM_001330368.2); c.*39-8338C>T (NM_001351110.2); short protein forms V2079I.
Identifiers: ClinVar variation 133629 (VCV000133629.53), dbSNP rs1800060, ClinGen allele CA157156.

ClinVar aggregate classification (germline): Benign/Likely benign. Review status: criteria provided, multiple submitters, no conflicts (2 of 4 stars). 27 submissions from 27 submitters: Benign (17); Likely benign (2). 8 of the submissions do not count toward it. Last evaluated 2026-02-03.

Conditions:
Hereditary cancer-predisposing syndrome. Also called: Neoplastic Syndromes, Hereditary; Hereditary Cancer Syndrome; Tumor predisposition; Hereditary neoplastic syndrome. Identifiers: Orphanet 140162, MedGen C0027672, MeSH D009386, MONDO:0015356.
Breast and/or ovarian cancer. Identifiers: MedGen CN221562.
Hereditary breast ovarian cancer syndrome. Also called: BRCA1- and BRCA2-Associated Hereditary Breast and Ovarian Cancer; Hereditary breast and ovarian cancer syndrome; Hereditary breast and ovarian cancer syndrome (HBOC); Hereditary breast and/or ovarian cancer syndrome; Hereditary breast and ovarian cancer; Breast and ovarian cancer. Identifiers: Orphanet 145, MedGen C0677776, MeSH D061325, MONDO:0003582. Disease mechanism: loss of function.
Familial cancer of breast. Also called: BREAST CANCER, FAMILIAL; hereditary breast carcinoma; Hereditary breast cancer. Identifiers: Orphanet 227535, MedGen C0346153, MONDO:0016419, OMIM 114480. Disease mechanism: loss of function.
Malignant tumor of breast. Also called: Malignant breast neoplasm; Cancer breast. Identifiers: MedGen C0006142, MONDO:0007254. Disease mechanism: loss of function.
Ataxia-telangiectasia syndrome (AT). Also called: Ataxia-telangiectasia, complementation group D; AT, COMPLEMENTATION GROUP C; Ataxia-telangiectasia; ATAXIA-TELANGIECTASIA, COMPLEMENTATION GROUP A; ATAXIA-TELANGIECTASIA, FRESNO VARIANT; Ataxia-telangiectasia, complementation group E. Identifiers: Orphanet 100, MedGen C0004135, MONDO:0008840, OMIM 208900.

Allele frequency attached by ClinVar (database versions not stated): ESP Exome Variant Server 0.00600; 1000 Genomes Project 0.00280; gnomAD exomes 0.00123 and 0.00252; ExAC 0.00257; gnomAD 0.00597 and 0.00649; 1000 Genomes Project 30x 0.00297; TOPMed 0.00731.
gnomAD v4.1: 2,761 of 1,611,760 alleles (0.17%); highest among the groups gnomAD compares: African/African-American, 1.8%; 16 homozygotes.

Submissions (27):

Labcorp Genetics (formerly Invitae), Labcorp
Classification: Benign for Ataxia-telangiectasia syndrome. Last evaluated: 2026-02-03. Review status: criteria provided, single submitter. Criteria: Invitae Variant Classification Sherloc (09022015). Collection method: clinical testing. Allele origin: germline.

Quest Diagnostics Nichols Institute San Juan Capistrano
Classification: Benign. Last evaluated: 2025-11-04. Review status: criteria provided, single submitter. Criteria: Quest Diagnostics criteria. Collection method: clinical testing. Allele origin: unknown.

Mayo Clinic Laboratories, Mayo Clinic
Classification: Benign. Last evaluated: 2025-04-30. Review status: criteria provided, single submitter. Criteria: ACMG Guidelines, 2015. Collection method: clinical testing. Allele origin: germline. Observed: 6 variant alleles.
Comment: BA1

Center for Genomic Medicine, Rigshospitalet, Copenhagen University Hospital
Classification: Benign. Last evaluated: 2025-03-04. Review status: criteria provided, single submitter. Criteria: ACMG Guidelines, 2015. Collection method: clinical testing. Allele origin: germline.

Myriad Genetics, Inc.
Classification: Benign for Familial cancer of breast. Last evaluated: 2024-06-05. Review status: criteria provided, single submitter. Criteria: Myriad Autosomal Dominant, Autosomal Recessive and X-Linked Classification Criteria (2023). Collection method: clinical testing. Allele origin: unknown.
Comment: This variant is considered benign. This variant has been observed at a population frequency that is significantly greater than expected given the associated disease prevalence and penetrance. This variant is strongly associated with less severe personal and family histories of cancer, typical for individuals without pathogenic variants in this gene [PMID: 25085752].

ARUP Laboratories, Molecular Genetics and Genomics, ARUP Laboratories
Classification: Benign. Last evaluated: 2024-05-10. Review status: criteria provided, single submitter. Criteria: ARUP Molecular Germline Variant Investigation Process 2024. Collection method: clinical testing. Allele origin: germline.

KCCC/NGS Laboratory, Kuwait Cancer Control Center
Classification: Benign for Familial cancer of breast. Last evaluated: 2023-07-07. Review status: criteria provided, single submitter. Criteria: ACMG Guidelines, 2015. Collection method: clinical testing. Allele origin: germline. Affected: yes.

National Health Laboratory Service, Universitas Academic Hospital and University of the Free State
Classification: Benign for Hereditary breast ovarian cancer syndrome. Last evaluated: 2022-04-19. Review status: criteria provided, single submitter. Criteria: ACMG Guidelines, 2015. Collection method: clinical testing. Allele origin: germline. Affected: yes. Observed: 6 variant alleles.

CHEO Genetics Diagnostic Laboratory, Children's Hospital of Eastern Ontario
Classification: Benign for Breast and/or ovarian cancer. Last evaluated: 2021-06-29. Review status: criteria provided, single submitter. Criteria: ACMG Guidelines, 2015. Collection method: clinical testing. Allele origin: germline.

Genetic Services Laboratory, University of Chicago
Classification: Benign. Last evaluated: 2017-07-06. Review status: criteria provided, single submitter. Criteria: ACMG Guidelines, 2015. Collection method: clinical testing. Allele origin: germline. Affected: no.

Athena Diagnostics
Classification: Benign. Last evaluated: 2017-06-01. Review status: criteria provided, single submitter. Criteria: Athena Diagnostics Criteria. Collection method: clinical testing. Allele origin: germline.

Illumina Laboratory Services, Illumina
Classification: Benign for Ataxia-telangiectasia syndrome. Last evaluated: 2017-04-27. Review status: criteria provided, single submitter. Criteria: ICSL Variant Classification Criteria 13 December 2019. Collection method: clinical testing. Allele origin: germline.
Comment: This variant was observed as part of a predisposition screen in an ostensibly healthy population. A literature search was performed for the gene, cDNA change, and amino acid change (where applicable). No publications were found based on this search. Allele frequency data from public databases was too high to be consistent with this variant causing disease. Therefore, this variant is classified as benign.

Clinical Genetics DNA and cytogenetics Diagnostics Lab, Erasmus MC, Erasmus Medical Center
Classification: Benign for Ataxia-telangiectasia syndrome. Last evaluated: 2016-06-28. Review status: criteria provided, single submitter. Criteria: ACGS Guidelines, 2013. Collection method: clinical testing. Allele origin: germline. Affected: yes. Study: VKGL Data-share Consensus.

Color Diagnostics, LLC DBA Color Health
Classification: Benign for Hereditary cancer-predisposing syndrome. Last evaluated: 2014-12-16. Review status: criteria provided, single submitter. Criteria: ACMG Guidelines, 2015. Collection method: clinical testing. Allele origin: germline.

Genome Diagnostics Laboratory, University Medical Center Utrecht
Classification: Likely benign for Ataxia-telangiectasia syndrome. Last evaluated: 2014-10-09. Review status: criteria provided, single submitter. Criteria: ACGS Guidelines, 2013. Collection method: clinical testing. Allele origin: germline. Affected: yes. Study: VKGL Data-share Consensus.

Ambry Genetics
Classification: Benign for Hereditary cancer-predisposing syndrome. Last evaluated: 2014-07-14. Review status: criteria provided, single submitter. Criteria: Ambry Variant Classification Scheme 2023. Collection method: clinical testing. Allele origin: germline.

GeneDx
Classification: Benign. Last evaluated: 2013-10-11. Review status: criteria provided, single submitter. Criteria: GeneDx Variant Classification (06012015). Collection method: clinical testing. Allele origin: germline. Affected: yes.
Comment: This variant is considered likely benign or benign based on one or more of the following criteria: it is a conservative change, it occurs at a poorly conserved position in the protein, it is predicted to be benign by multiple in silico algorithms, and/or has population frequency not consistent with disease.

Breakthrough Genomics
Classification: Likely benign. Review status: criteria provided, single submitter. Criteria: ACMG Guidelines, 2015. Collection method: not provided. Allele origin: germline. Inheritance: Autosomal recessive inheritance. Affected: yes.

PreventionGenetics, part of Exact Sciences
Classification: Benign. Review status: criteria provided, single submitter. Criteria: ACMG Guidelines, 2015. Collection method: clinical testing. Allele origin: germline.

Institute for Biomarker Research, Medical Diagnostic Laboratories, L.L.C.
Classification: Likely benign for Hereditary cancer-predisposing syndrome. Last evaluated: 2021-09-15. Review status: no assertion criteria provided. Collection method: clinical testing. Allele origin: germline. Not counted in ClinVar's aggregate classification.

Natera, Inc.
Classification: Benign for Ataxia-telangiectasia. Last evaluated: 2020-09-16. Review status: no assertion criteria provided. Collection method: clinical testing. Allele origin: germline. Not counted in ClinVar's aggregate classification.

Genome Diagnostics Laboratory, Amsterdam University Medical Center
Classification: Benign for Ataxia-telangiectasia syndrome. Last evaluated: 2017-06-18. Review status: no assertion criteria provided. Criteria: ACGS Guidelines, 2013. Collection method: clinical testing. Allele origin: germline. Affected: yes. Study: VKGL Data-share Consensus. Not counted in ClinVar's aggregate classification.

ITMI
No classification provided. Condition: AllHighlyPenetrant. Last evaluated: 2013-09-19. Review status: no classification provided. Collection method: reference population. Allele origin: germline. Not counted in ClinVar's aggregate classification.
Comment: Please see associated publication for description of ethnicities

Clinical Genetics Laboratory, Department of Pathology, Netherlands Cancer Institute
Classification: Benign. Review status: no assertion criteria provided. Collection method: clinical testing. Allele origin: germline. Affected: yes. Study: VKGL Data-share Consensus. Not counted in ClinVar's aggregate classification.

Department of Pathology and Laboratory Medicine, Sinai Health System
Classification: Likely benign for Malignant tumor of breast. Review status: no assertion criteria provided. Collection method: clinical testing. Allele origin: unknown. Affected: yes. Observed: 10 variant alleles. Study: The Canadian Open Genetics Repository (COGR). Not counted in ClinVar's aggregate classification.
Comment: The ATM p.Val2079Ile variant was identified in 9 of 9208 proband chromosomes (frequency: 0.00119) from individuals or families with breast cancer, Hodgkinâ€šÃ„Ã´s disease and was present in 6 of 852 control chromosomes (frequency: 0.007) from healthy individuals (Bretsky 2003, Offit 2002, Tavtigian 2009). The variant was also identified in dbSNP (ID: rs1800060) as With Benign allele, ClinVar (classified as benign by GeneDx, Ambry genetics, Invitae, PreventionGenetics), MutDB (classified as polymorphism), databases. The variant was not identified in Cosmic, LOVD 3.0, ATM-LOVD, databases. The variant was identified in control databases in 779(8 homozygous) of 276904 chromosomes at a frequency of 0.0028 increasing the likelihood this could be a low frequency benign variant (Genome Aggregation Consortium Feb 27, 2017). The variant was identified in the following populations at a frequency greater than 1%: African in 426 of 23972 chromosomes (freq: 0.018), Ashkenazi Jewish* in 143 of 10150 chromosomes (freq: 0.014). The p.Val2079 residue is not conserved in mammals and computational analyses (PolyPhen-2, SIFT, AlignGVGD, BLOSUM, MutationTaster) do not suggest a high likelihood of impact to the protein; however, this information is not predictive enough to rule out pathogenicity. The variant occurs outside of the splicing consensus sequence and in silico or computational prediction software programs (SpliceSiteFinder, MaxEntScan, NNSPLICE, GeneSplicer, HumanSpliceFinder) do not predict a difference in splicing. The variant is located with the PIK-related kinase Armadillo-type fold functional domain increasing the likelihood that it may have clinical significance. In summary, based on the above information, the clinical significance of this variant cannot be determined with certainty at this time although we would lean towards a more benign role for this variant. This variant is classified as likely benign.

Joint Genome Diagnostic Labs from Nijmegen and Maastricht, Radboudumc and MUMC+
Classification: Benign. Review status: no assertion criteria provided. Collection method: clinical testing. Allele origin: germline. Affected: yes. Study: VKGL Data-share Consensus. Not counted in ClinVar's aggregate classification.

Laboratory of Diagnostic Genome Analysis, Leiden University Medical Center (LUMC)
Classification: Benign. Review status: no assertion criteria provided. Collection method: clinical testing. Allele origin: germline. Affected: yes. Study: VKGL Data-share Consensus. Not counted in ClinVar's aggregate classification.

Literature cited by the submitters: PubMed 25085752 (cited by Myriad Genetics, Inc.); PubMed 28093192 (cited by Athena Diagnostics); PubMed 8665503 (cited by Athena Diagnostics); PubMed 22529920 (cited by Athena Diagnostics); PubMed 25117502 (cited by Athena Diagnostics); PubMed 12473594 (cited by Athena Diagnostics); PubMed 12917204 (cited by Athena Diagnostics); PubMed 17333338 (cited by Athena Diagnostics); PubMed 19781682 (cited by Athena Diagnostics); PubMed 24728327 (cited by ITMI).